The following is an entry in ClinVar:

ClinVar aggregate classification (germline): Conflicting classifications of pathogenicity. Review status: criteria provided, conflicting classifications (1 of 4 stars). 2 submissions from 2 submitters: Uncertain significance (1); Likely benign (1). Last evaluated 2025-06-25.

Conditions:
Episodic ataxia type 2 (EA2). Also called: ACETAZOLAMIDE-RESPONSIVE HEREDITARY PAROXYSMAL CEREBELLAR ATAXIA; ATAXIA, EPISODIC, WITH NYSTAGMUS; ATAXIA, FAMILIAL PAROXYSMAL; CEREBELLAR ATAXIA, PAROXYSMAL, ACETAZOLAMIDE-RESPONSIVE; CEREBELLOPATHY, HEREDITARY PAROXYSMAL; EPISODIC ATAXIA, NYSTAGMUS-ASSOCIATED. Identifiers: Orphanet 97, MedGen C1720416, MONDO:0007163, OMIM 108500.
Developmental and epileptic encephalopathy, 42 (DEE42A). Also called: Epileptic encephalopathy, early infantile, 42; DEVELOPMENTAL AND EPILEPTIC ENCEPHALOPATHY 42A; EPILEPTIC ENCEPHALOPATHY, EARLY INFANTILE, 42A. Identifiers: MedGen C4310716, MONDO:0014917, OMIM 617106.

Submissions (2):

GeneDx
Classification: Uncertain significance. Last evaluated: 2025-06-25. Review status: criteria provided, single submitter. Criteria: GeneDx Variant Classification Process June 2021. Collection method: clinical testing. Allele origin: germline. Affected: yes.
Comment: In silico analysis suggests that this missense variant does not alter protein structure/function; Has not been previously published as pathogenic or benign to our knowledge

Labcorp Genetics (formerly Invitae), Labcorp
Classification: Likely benign for Developmental and epileptic encephalopathy, 42; Episodic ataxia type 2. Last evaluated: 2024-10-31. Review status: criteria provided, single submitter. Criteria: Invitae Variant Classification Sherloc (09022015). Collection method: clinical testing. Allele origin: germline.

NM_001127222.2(CACNA1A):c.3406C>A (p.Pro1136Thr)

Gene: CACNA1A (calcium voltage-gated channel subunit alpha1 A; minus strand). Cytogenetic location: 19p13.13.
Variant type: single nucleotide variant.
Coding change: c.3406C>A on transcript NM_001127222.2 (MANE Select); coding-DNA position 3406, C replaced by A.
Protein change: p.Pro1136Thr; replaces proline 1136 with threonine.
Molecular consequence: missense variant.
Genome position (GRCh38, 1-based): chr19:13,286,650, G>T on the plus strand (C>A on the coding strand, the complement: CACNA1A is on the minus strand). VCF-style: chr19-13286650-G-T. GRCh37 (hg19) VCF-style: chr19-13397464-G-T.
Other names: c.3418C>A, p.Pro1140Thr (NM_000068.4, NM_023035.3); c.3409C>A, p.Pro1137Thr (NM_001127221.2, NM_001174080.2); short protein forms P1136T, P1137T, P1140T.
Identifiers: ClinVar variation 3750915 (VCV003750915.3).